The following is an entry in ClinVar:

NM_001903.5(CTNNA1):c.1335A>C (p.Glu445Asp)

Gene: CTNNA1 (catenin alpha 1; plus strand). Cytogenetic location: 5q31.2.
Variant type: single nucleotide variant.
Coding change: c.1335A>C on transcript NM_001903.5 (MANE Select); coding-DNA position 1335, A replaced by C.
Protein change: p.Glu445Asp; replaces glutamic acid 445 with aspartic acid.
Molecular consequence: missense variant. On other transcripts: 5 prime UTR variant (6), intron variant (3).
Genome position (GRCh38, 1-based): chr5:138,904,387, A>C. VCF-style: chr5-138904387-A-C. GRCh37 (hg19) VCF-style: chr5-138240076-A-C.
Other names: c.1335A>C, p.Glu445Asp (NM_001290307.3, NM_001323982.2, NM_001323983.1 and 2 more transcripts); c.1026A>C, p.Glu342Asp (NM_001290309.3); c.966A>C, p.Glu322Asp (NM_001290310.3); c.225A>C, p.Glu75Asp (NM_001290312.1, NM_001323987.1, NM_001323988.1 and 17 more transcripts); c.-173A>C (NM_001324006.1, NM_001324007.1, NM_001324008.1 and 1 more transcripts); c.-19A>C (NM_001324012.1, NM_001324013.1); c.1297-13355A>C (NM_001323986.2); c.187-13355A>C (NM_001324011.1); and 2 more; short protein forms E75D, E322D, E342D, E445D.
Identifiers: ClinVar variation 852424 (VCV000852424.8), dbSNP rs1758715728, ClinGen allele CA361135944.

ClinVar aggregate classification (germline): Uncertain significance. Review status: criteria provided, multiple submitters, no conflicts (2 of 4 stars). 2 submissions from 2 submitters: Uncertain significance (2). Last evaluated 2025-02-06.

Conditions:
Hereditary cancer-predisposing syndrome. Also called: Neoplastic Syndromes, Hereditary; Hereditary Cancer Syndrome; Tumor predisposition; Hereditary neoplastic syndrome. Identifiers: Orphanet 140162, MedGen C0027672, MeSH D009386, MONDO:0015356.

Allele frequency attached by ClinVar (database versions not stated): gnomAD exomes below 0.00001.
gnomAD v4.1: 4 of 1,614,128 alleles (0.00025%); highest among the groups gnomAD compares: Non-Finnish European, 0.00034%; no homozygotes.

Submissions (2):

Labcorp Genetics (formerly Invitae), Labcorp
Classification: Uncertain significance. Last evaluated: 2025-02-06. Review status: criteria provided, single submitter. Criteria: Invitae Variant Classification Sherloc (09022015). Collection method: clinical testing. Allele origin: germline.
Comment: This sequence change replaces glutamic acid, which is acidic and polar, with aspartic acid, which is acidic and polar, at codon 445 of the CTNNA1 protein (p.Glu445Asp). This variant is not present in population databases (gnomAD no frequency). This variant has not been reported in the literature in individuals affected with CTNNA1-related conditions. ClinVar contains an entry for this variant (Variation ID: 852424). An algorithm developed to predict the effect of missense changes on protein structure and function (PolyPhen-2) suggests that this variant is likely to be tolerated. In summary, the available evidence is currently insufficient to determine the role of this variant in disease. Therefore, it has been classified as a Variant of Uncertain Significance.

Ambry Genetics
Classification: Uncertain significance for Hereditary cancer-predisposing syndrome. Last evaluated: 2024-10-29. Review status: criteria provided, single submitter. Criteria: Ambry Variant Classification Scheme 2023. Collection method: clinical testing. Allele origin: germline.
Comment: The p.E445D variant (also known as c.1335A>C), located in coding exon 9 of the CTNNA1 gene, results from an A to C substitution at nucleotide position 1335. The glutamic acid at codon 445 is replaced by aspartic acid, an amino acid with highly similar properties. This amino acid position is highly conserved in available vertebrate species. In addition, this alteration is predicted to be tolerated by in silico analysis. The evidence for this gene-disease relationship is limited; therefore, the clinical significance of this alteration is unclear.